The following is an entry in ClinVar:

NM_000075.4(CDK4):c.543A>C (p.Arg181=)

Gene: CDK4 (cyclin dependent kinase 4; minus strand). Cytogenetic location: 12q14.1.
Variant type: single nucleotide variant.
Coding change: c.543A>C on transcript NM_000075.4 (MANE Select); coding-DNA position 543, A replaced by C.
Protein change: p.Arg181=; no amino-acid change (arginine 181 retained).
Molecular consequence: synonymous variant.
Genome position (GRCh38, 1-based): chr12:57,750,745, T>G on the plus strand (A>C on the coding strand, the complement: CDK4 is on the minus strand). VCF-style: chr12-57750745-T-G. GRCh37 (hg19) VCF-style: chr12-58144528-T-G.
Identifiers: ClinVar variation 414919 (VCV000414919.16), dbSNP rs745772539, ClinGen allele CA6657780.
Genomic context (GRCh38, chr12:57,750,745, plus strand): 5'-GCCAACACTCCACATGTCCACAGGTGTTGCATATGTGGACTGCAGAAGAACTTCGGGAGC[T>G]CGGTACCAGAGTGTAACAACCTAAAGGGAATAGGAAGAATGGATGGGGACCCCATGGGTT-3'
Protein context (NP_000066.1, residues 171-191): LTPVVVTLWY[Arg181=]APEVLLQSTY

ClinVar aggregate classification (germline): Benign/Likely benign. Review status: criteria provided, multiple submitters, no conflicts (2 of 4 stars). 4 submissions from 4 submitters: Benign (1); Likely benign (3). Last evaluated 2026-01-06.

Conditions:
Familial melanoma. Also called: Hereditary melanoma; Hereditary cutaneous melanoma. Identifiers: Orphanet 618, MedGen C1512419, MONDO:0018961.
Hereditary cancer-predisposing syndrome. Also called: Neoplastic Syndromes, Hereditary; Tumor predisposition; Hereditary Cancer Syndrome; Hereditary neoplastic syndrome. Identifiers: Orphanet 140162, MedGen C0027672, MeSH D009386, MONDO:0015356.
Melanoma, cutaneous malignant, susceptibility to, 3. Also called: Cutaneous malignant melanoma 3. Identifiers: Orphanet 618, MedGen C1836892, MONDO:0012183, OMIM 609048.

Allele frequency attached by ClinVar (database versions not stated): gnomAD exomes below 0.00001 and 0.00001; ExAC 0.00001.
gnomAD v4.1: 7 of 1,614,022 alleles (0.00043%); highest among the groups gnomAD compares: Middle Eastern, 0.033%; no homozygotes.

Submissions (4):

Labcorp Genetics (formerly Invitae), Labcorp
Classification: Likely benign for Familial melanoma. Last evaluated: 2026-01-06. Review status: criteria provided, single submitter. Criteria: Invitae Variant Classification Sherloc (09022015). Collection method: clinical testing. Allele origin: germline.

Myriad Genetics, Inc.
Classification: Benign for Melanoma, cutaneous malignant, susceptibility to, 3. Last evaluated: 2024-09-26. Review status: criteria provided, single submitter. Criteria: Myriad Autosomal Dominant, Autosomal Recessive and X-Linked Classification Criteria (2023). Collection method: clinical testing. Allele origin: unknown.
Comment: This variant is considered benign. This variant is a silent/synonymous amino acid change and it is not expected to impact splicing.

Blueprint Genetics
Classification: Likely benign. Last evaluated: 2024-03-13. Review status: criteria provided, single submitter. Criteria: ACMG Guidelines, 2015. Collection method: clinical testing. Allele origin: germline.

Ambry Genetics
Classification: Likely benign for Hereditary cancer-predisposing syndrome. Last evaluated: 2021-02-05. Review status: criteria provided, single submitter. Criteria: Ambry Variant Classification Scheme 2023. Collection method: clinical testing. Allele origin: germline.